The following is an entry in ClinVar:

ClinVar aggregate classification (germline): Uncertain significance. Review status: criteria provided, multiple submitters, no conflicts (2 of 4 stars). 2 submissions from 2 submitters: Uncertain significance (2). Last evaluated 2026-05-21.

Conditions:
Hereditary cancer-predisposing syndrome. Also called: Tumor predisposition; Neoplastic Syndromes, Hereditary; Hereditary Cancer Syndrome; Hereditary neoplastic syndrome. Identifiers: Orphanet 140162, MedGen C0027672, MeSH D009386, MONDO:0015356.
Gorlin syndrome. Also called: Basal cell nevus syndrome; Nevoid Basal Cell Carcinoma Syndrome. Identifiers: Orphanet 377, MedGen C0004779, MONDO:0007187.

gnomAD v4.1: 1 of 1,614,086 alleles (0.000062%); highest among the groups gnomAD compares: Non-Finnish European, 0.000085%; no homozygotes.

Submissions (2):

Ambry Genetics
Classification: Uncertain significance for Hereditary cancer-predisposing syndrome. Last evaluated: 2026-05-21. Review status: criteria provided, single submitter. Criteria: Ambry Variant Classification Scheme 2023. Collection method: clinical testing. Allele origin: germline.
Comment: The p.L570V variant (also known as c.1708C>G), located in coding exon 12 of the PTCH1 gene, results from a C to G substitution at nucleotide position 1708. The leucine at codon 570 is replaced by valine, an amino acid with highly similar properties. This amino acid position is conserved. In addition, this alteration is predicted to be deleterious by in silico analysis. Based on the available evidence, the clinical significance of this variant remains unclear.

Labcorp Genetics (formerly Invitae), Labcorp
Classification: Uncertain significance for Gorlin syndrome. Last evaluated: 2022-05-18. Review status: criteria provided, single submitter. Criteria: Invitae Variant Classification Sherloc (09022015). Collection method: clinical testing. Allele origin: germline.
Comment: In summary, the available evidence is currently insufficient to determine the role of this variant in disease. Therefore, it has been classified as a Variant of Uncertain Significance. Advanced modeling of protein sequence and biophysical properties (such as structural, functional, and spatial information, amino acid conservation, physicochemical variation, residue mobility, and thermodynamic stability) performed at Invitae indicates that this missense variant is not expected to disrupt PTCH1 protein function. This variant has not been reported in the literature in individuals affected with PTCH1-related conditions. This variant is not present in population databases (gnomAD no frequency). This sequence change replaces leucine, which is neutral and non-polar, with valine, which is neutral and non-polar, at codon 570 of the PTCH1 protein (p.Leu570Val).

NM_000264.5(PTCH1):c.1708C>G (p.Leu570Val)

Gene: PTCH1 (patched 1; minus strand). Cytogenetic location: 9q22.32.
Variant type: single nucleotide variant.
Coding change: c.1708C>G on transcript NM_000264.5 (MANE Select); coding-DNA position 1708, C replaced by G.
Protein change: p.Leu570Val; replaces leucine 570 with valine.
Molecular consequence: missense variant. On other transcripts: non-coding transcript variant (1).
Genome position (GRCh38, 1-based): chr9:95,476,054, G>C on the plus strand (C>G on the coding strand, the complement: PTCH1 is on the minus strand). VCF-style: chr9-95476054-G-C. GRCh37 (hg19) VCF-style: chr9-98238336-G-C.
Other names: c.1510C>G, p.Leu504Val (NM_001083602.3); c.1705C>G, p.Leu569Val (NM_001083603.3); c.1255C>G, p.Leu419Val (NM_001083604.3, NM_001083605.3, NM_001083606.3 and 1 more transcripts); c.1552C>G, p.Leu518Val (NM_001354918.2); c.1708C>G (NM_000264.3); short protein forms L419V, L569V, L570V, L504V, L518V.
Identifiers: ClinVar variation 1489251 (VCV001489251.9), dbSNP rs1841004985, ClinGen allele CA374117912.